The following is an entry in ClinVar:

NM_000381.4(MID1):c.1285+102C>G

Gene: MID1 (midline 1; minus strand). Cytogenetic location: Xp22.2.
Variant type: single nucleotide variant.
Coding change: c.1285+102C>G on transcript NM_000381.4 (MANE Select); 102 bases into the intron after coding-DNA position 1285, C replaced by G.
Molecular consequence: intron variant. On other transcripts: missense variant (3).
Genome position (GRCh38, 1-based): chrX:10,469,595, G>C on the plus strand (C>G on the coding strand, the complement: MID1 is on the minus strand). VCF-style: chrX-10469595-G-C. GRCh37 (hg19) VCF-style: chrX-10437635-G-C.
Other names: c.1285+102C>G (NM_001347733.2, NM_001193277.1, NM_033290.4 and 1 more transcripts); c.1540C>G, p.His514Asp (NM_001193278.1); c.1387C>G, p.His463Asp (NM_001193279.1); c.1273C>G, p.His425Asp (NM_001193280.1); c.1171+102C>G (NM_033289.2); short protein forms H425D, H463D, H514D.
Identifiers: ClinVar variation 4882400 (VCV004882400.2).

ClinVar aggregate classification (germline): Uncertain significance (1 of 4 stars; one submission).

gnomAD v4.1: 1 of 1,210,013 alleles (0.000083%); highest among the groups gnomAD compares: Non-Finnish European, 0.00011%; no homozygotes.

Submission:

Dasa
Classification: Uncertain significance. Last evaluated: 2025-04-21. Review status: criteria provided, single submitter. Criteria: DASA Assertion Criteria. Collection method: clinical testing. Allele origin: germline.
Comment: NM_001193278.1(MID1):c.1540C>G (p.His514Asp) is a missense variant that results in the substitution of histidine with aspartic acid. This variant is rare in population databases. The currently available literature and clinical evidence are not sufficient to establish a definitive association between this variant and the reported condition. Therefore, this variant is classified as a variant of uncertain significance.